The following is an entry in ClinVar:

ClinVar aggregate classification (germline): Pathogenic. Review status: criteria provided, multiple submitters, no conflicts (2 of 4 stars). 2 submissions from 2 submitters: Pathogenic (2). Last evaluated 2025-05-30.

Conditions:
Ehlers-Danlos syndrome, type 4 (EDSVASC). Also called: Ehlers-Danlos Syndrome Type IV; Ehlers-Danlos syndrome vascular type; Ehlers Danlos syndrome, ecchymotic type; Ehlers Danlos syndrome, arterial type; Ehlers Danlos syndrome, Sack-Barabas type. Identifiers: Orphanet 286, MedGen C0268338, MONDO:0017314, OMIM 130050.
Familial thoracic aortic aneurysm and aortic dissection (TAAD). Also called: Thoracic aortic aneurysms and dissections. Identifiers: Orphanet 91387, MedGen C4707243, MONDO:0019625.

Allele frequency attached by ClinVar (database versions not stated): gnomAD exomes below 0.00001; gnomAD 0.00001.
gnomAD v4.1: 2 of 1,613,514 alleles (0.00012%); no homozygotes.

Submissions (2):

Color Diagnostics, LLC DBA Color Health
Classification: Pathogenic for Familial thoracic aortic aneurysm and aortic dissection. Last evaluated: 2025-05-30. Review status: criteria provided, single submitter. Criteria: ACMG Guidelines, 2015. Collection method: clinical testing. Allele origin: germline.
Comment: This variant changes 1 nucleotide in exon 9 of the COL3A1 gene, creating a premature translation stop signal. This variant is expected to result in an absent or non-functional protein product. This variant has been reported in two individuals in one family affected with vascular Ehlers Danlos syndrome (PMID: 36189931). This variant has been identified in 2/282242 chromosomes in the general population by the Genome Aggregation Database (gnomAD). Loss of COL3A1 function is a known mechanism of disease. Based on the available evidence, this variant is classified as Pathogenic.

Mendelics
Classification: Pathogenic for Ehlers-Danlos syndrome, type 4. Last evaluated: 2019-05-28. Review status: criteria provided, single submitter. Criteria: Mendelics Assertion Criteria 2017. Collection method: clinical testing. Allele origin: unknown.

Literature cited by the submitters: PubMed 36189931 (cited by Color Diagnostics, LLC DBA Color Health).

NM_000090.4(COL3A1):c.724C>T (p.Arg242Ter)

Gene: COL3A1 (collagen type III alpha 1 chain; plus strand). Cytogenetic location: 2q32.2.
Variant type: single nucleotide variant.
Coding change: c.724C>T on transcript NM_000090.4 (MANE Select); coding-DNA position 724, C replaced by T.
Protein change: p.Arg242Ter; replaces arginine 242 with a stop codon.
Molecular consequence: nonsense.
Genome position (GRCh38, 1-based): chr2:188,990,129, C>T. VCF-style: chr2-188990129-C-T. GRCh37 (hg19) VCF-style: chr2-189854855-C-T.
Other names: short protein forms R242*.
Identifiers: ClinVar variation 801840 (VCV000801840.2), dbSNP rs1333421028, ClinGen allele CA349849029.